The following is an entry in ClinVar:

ClinVar aggregate classification (germline): Uncertain significance. Review status: criteria provided, multiple submitters, no conflicts (2 of 4 stars). 2 submissions from 2 submitters: Uncertain significance (2). Last evaluated 2025-01-12.

Conditions:
Cardiovascular phenotype. Identifiers: MedGen CN230736.
Noonan syndrome 9 (NS9). Identifiers: Orphanet 648, MedGen C4225282, MONDO:0014691, OMIM 616559.

Submissions (2):

Labcorp Genetics (formerly Invitae), Labcorp
Classification: Uncertain significance for Noonan syndrome 9. Last evaluated: 2025-01-12. Review status: criteria provided, single submitter. Criteria: Invitae Variant Classification Sherloc (09022015). Collection method: clinical testing. Allele origin: germline.
Comment: This sequence change replaces valine, which is neutral and non-polar, with glycine, which is neutral and non-polar, at codon 576 of the SOS2 protein (p.Val576Gly). This variant is not present in population databases (gnomAD no frequency). This variant has not been reported in the literature in individuals affected with SOS2-related conditions. ClinVar contains an entry for this variant (Variation ID: 1778888). Invitae Evidence Modeling of protein sequence and biophysical properties (such as structural, functional, and spatial information, amino acid conservation, physicochemical variation, residue mobility, and thermodynamic stability) indicates that this missense variant is not expected to disrupt SOS2 protein function with a negative predictive value of 95%. In summary, the available evidence is currently insufficient to determine the role of this variant in disease. Therefore, it has been classified as a Variant of Uncertain Significance.

Ambry Genetics
Classification: Uncertain significance for Cardiovascular phenotype. Last evaluated: 2021-08-10. Review status: criteria provided, single submitter. Criteria: Ambry Variant Classification Scheme 2023. Collection method: clinical testing. Allele origin: germline.
Comment: The p.V576G variant (also known as c.1727T>G), located in coding exon 10 of the SOS2 gene, results from a T to G substitution at nucleotide position 1727. The valine at codon 576 is replaced by glycine, an amino acid with dissimilar properties. This amino acid position is conserved. In addition, this alteration is predicted to be tolerated by in silico analysis. Since supporting evidence is limited at this time, the clinical significance of this alteration remains unclear.

NM_006939.4(SOS2):c.1727T>G (p.Val576Gly)

Gene: SOS2 (SOS Ras/Rho guanine nucleotide exchange factor 2; minus strand). Cytogenetic location: 14q21.3.
Variant type: single nucleotide variant.
Coding change: c.1727T>G on transcript NM_006939.4 (MANE Select); coding-DNA position 1727, T replaced by G.
Protein change: p.Val576Gly; replaces valine 576 with glycine.
Molecular consequence: missense variant.
Genome position (GRCh38, 1-based): chr14:50,159,556, A>C on the plus strand (T>G on the coding strand, the complement: SOS2 is on the minus strand). VCF-style: chr14-50159556-A-C. GRCh37 (hg19) VCF-style: chr14-50626274-A-C.
Other names: c.1628T>G, p.Val543Gly (NM_001411020.1); short protein forms V543G, V576G.
Identifiers: ClinVar variation 1778888 (VCV001778888.5), dbSNP rs2502988361, ClinGen allele CA389645113.
Genomic context (GRCh38, chr14:50,159,556, plus strand): 5'-ATGCCACTTCTACTTTGCAAGTTGTCTTCAAAAACAATGTTTTCCTCAGAGTCTTTTACT[A>C]CAAAACGATATACTTCAGGACTTGGTAATCTCAGTGGTTGCTCATTTTCTTCTTTCAATA-3'
Protein context (NP_008870.2, residues 566-586): RLPSPEVYRF[Val576Gly]VKDSEENIVF